The following is an entry in ClinVar:

ClinVar aggregate classification (germline): Uncertain significance (1 of 4 stars; one submission).

Submission:

Greenwood Genetic Center Diagnostic Laboratories, Greenwood Genetic Center
Classification: Uncertain significance. Last evaluated: 2025-03-04. Review status: criteria provided, single submitter. Criteria: ACMG Guidelines, 2015. Collection method: clinical testing. Allele origin: germline.
Comment: Gene of Uncertain Significance

NM_002911.4(UPF1):c.1156+1G>A

Gene: UPF1 (UPF1 RNA helicase and ATPase; plus strand). Cytogenetic location: 19p13.11.
Variant type: single nucleotide variant.
Coding change: c.1156+1G>A on transcript NM_002911.4 (MANE Select); the canonical splice donor site of the intron after coding-DNA position 1156, G replaced by A.
Molecular consequence: splice donor variant.
Genome position (GRCh38, 1-based): chr19:18,853,351, G>A. VCF-style: chr19-18853351-G-A. GRCh37 (hg19) VCF-style: chr19-18964160-G-A.
Other names: c.1189+1G>A (NM_001297549.2).
Identifiers: ClinVar variation 4851697 (VCV004851697.1).